The following is an entry in ClinVar:

ClinVar aggregate classification (germline): Pathogenic (1 of 4 stars; one submission).

Conditions:
Hereditary breast ovarian cancer syndrome. Also called: Hereditary breast and ovarian cancer syndrome (HBOC); BRCA1- and BRCA2-Associated Hereditary Breast and Ovarian Cancer; Hereditary breast and/or ovarian cancer syndrome; Hereditary breast and ovarian cancer; Breast and ovarian cancer; Hereditary breast and ovarian cancer syndrome. Identifiers: Orphanet 145, MedGen C0677776, MeSH D061325, MONDO:0003582. Disease mechanism: loss of function.

Submission:

Labcorp Genetics (formerly Invitae), Labcorp
Classification: Pathogenic for Hereditary breast ovarian cancer syndrome. Last evaluated: 2025-03-31. Review status: criteria provided, single submitter. Criteria: Invitae Variant Classification Sherloc (09022015). Collection method: clinical testing. Allele origin: germline.
Comment: This sequence change creates a premature translational stop signal (p.Glu1462Aspfs*4) in the BRCA1 gene. It is expected to result in an absent or disrupted protein product. Loss-of-function variants in BRCA1 are known to be pathogenic (PMID: 20104584). This variant is not present in population databases (gnomAD no frequency). This variant has not been reported in the literature in individuals affected with BRCA1-related conditions. Algorithms developed to predict the effect of sequence changes on RNA splicing suggest that this variant may disrupt the consensus splice site. For these reasons, this variant has been classified as Pathogenic.

Literature cited by the submitters: PubMed 20104584.

NM_007294.4(BRCA1):c.4386del (p.Glu1462fs)

Gene: BRCA1 (BRCA1 DNA repair associated; minus strand). Cytogenetic location: 17q21.31.
Variant type: Deletion.
Coding change: c.4386del on transcript NM_007294.4 (MANE Select); coding-DNA position 4386, one base deleted (A; older notation c.4386delA).
Protein change: p.Glu1462fs; shifts the reading frame from glutamic acid 1462.
Molecular consequence: frameshift variant. On other transcripts: intron variant (3).
Genome position (GRCh38, 1-based): chr17:43,076,586, T deleted on the plus strand (A on the coding strand, the reverse complement: BRCA1 is on the minus strand); the first of 2 consecutive T bases (chr17:43,076,586-43,076,587); deleting either gives the same sequence. VCF-style (leftmost placement, unchanged base first): chr17-43076585-AT-A. GRCh37 (hg19) VCF-style: chr17-41228602-AT-A.
Other names: c.4173del, p.Glu1391fs (NM_001407571.1, NM_001407894.1, NM_001407895.1 and 12 more transcripts); c.4452del, p.Glu1484fs (NM_001407581.1, NM_001407582.1); c.4449del, p.Glu1483fs (NM_001407583.1, NM_001407585.1, NM_001407587.1 and 1 more transcripts); c.4446del, p.Glu1482fs (NM_001407590.1, NM_001407591.1); c.4386del, p.Glu1462fs (NM_001407593.1, NM_001407594.1, NM_001407596.1 and 8 more transcripts); c.4383del, p.Glu1461fs (NM_001407610.1, NM_001407611.1, NM_001407612.1 and 17 more transcripts); c.4380del, p.Glu1460fs (NM_001407627.1, NM_001407628.1, NM_001407629.1 and 14 more transcripts); c.4377del, p.Glu1459fs (NM_001407644.1, NM_001407645.1); and 71 more; short protein forms E1335fs, E1350fs, E1373fs, E1419fs, E1442fs, E1457fs, E1484fs, E231fs.
Identifiers: ClinVar variation 3677163 (VCV003677163.2).
Genomic context (GRCh38, chr17:43,076,585, plus strand): 5'-TATCTGCAGACACCTCAAACTTGTCAGCAGAAAGGCCTTCTGGATTCTGGCTTATAGGGT[AT>A]TCACTACTTTTCTGTGAAGTTAATACTGCTTTAAATGGAATGAGAAAACAAATCTACTTT-3'